The following is an entry in ClinVar:

NM_000059.4(BRCA2):c.7763T>C (p.Ile2588Thr)

Gene: BRCA2 (BRCA2 DNA repair associated; plus strand). Cytogenetic location: 13q13.1.
Variant type: single nucleotide variant.
Coding change: c.7763T>C on transcript NM_000059.4 (MANE Select); coding-DNA position 7763, T replaced by C.
Protein change: p.Ile2588Thr; replaces isoleucine 2588 with threonine.
Molecular consequence: missense variant. On other transcripts: non-coding transcript variant (1).
Genome position (GRCh38, 1-based): chr13:32,357,887, T>C. VCF-style: chr13-32357887-T-C. GRCh37 (hg19) VCF-style: chr13-32932024-T-C.
Other names: c.7667T>C, p.Ile2556Thr (NM_001406719.1); c.7763T>C, p.Ile2588Thr (NM_001406720.1); c.2831T>C, p.Ile944Thr (NM_001406721.1); c.1346T>C, p.Ile449Thr (NM_001406722.1); short protein forms I2556T, I2588T, I449T, I944T.
Identifiers: ClinVar variation 3261643 (VCV003261643.1).

ClinVar aggregate classification (germline): Uncertain significance (1 of 4 stars; one submission).

Conditions:
Hereditary cancer-predisposing syndrome. Also called: Hereditary Cancer Syndrome; Tumor predisposition; Hereditary neoplastic syndrome; Neoplastic Syndromes, Hereditary. Identifiers: Orphanet 140162, MedGen C0027672, MeSH D009386, MONDO:0015356.

Submission:

Ambry Genetics
Classification: Uncertain significance for Hereditary cancer-predisposing syndrome. Last evaluated: 2024-05-31. Review status: criteria provided, single submitter. Criteria: Ambry Variant Classification Scheme 2023. Collection method: clinical testing. Allele origin: germline.
Comment: The p.I2588T variant (also known as c.7763T>C), located in coding exon 15 of the BRCA2 gene, results from a T to C substitution at nucleotide position 7763. The isoleucine at codon 2588 is replaced by threonine, an amino acid with similar properties. This amino acid position is conserved. In addition, this alteration is predicted to be deleterious by in silico analysis. Based on the available evidence, the clinical significance of this variant remains unclear.